The following is an entry in ClinVar:

NM_015041.3(CLUAP1):c.248C>T (p.Thr83Ile)

Gene: CLUAP1 (clusterin associated protein 1; plus strand). Cytogenetic location: 16p13.3.
Variant type: single nucleotide variant.
Coding change: c.248C>T on transcript NM_015041.3 (MANE Select); coding-DNA position 248, C replaced by T.
Protein change: p.Thr83Ile; replaces threonine 83 with isoleucine.
Molecular consequence: missense variant.
Genome position (GRCh38, 1-based): chr16:3,508,317, C>T. VCF-style: chr16-3508317-C-T. GRCh37 (hg19) VCF-style: chr16-3558317-C-T.
Other names: c.248C>T, p.Thr83Ile (NM_001330454.2); c.248C>T (NM_015041.1); short protein forms T83I.
Identifiers: ClinVar variation 1047405 (VCV001047405.9), dbSNP rs777479822, ClinGen allele CA7863662.

ClinVar aggregate classification (germline): Uncertain significance. Review status: criteria provided, multiple submitters, no conflicts (2 of 4 stars). 2 submissions from 2 submitters: Uncertain significance (2). Last evaluated 2025-06-12.

Allele frequency attached by ClinVar (database versions not stated): gnomAD below 0.00001 and 0.00005; gnomAD exomes 0.00005 and 0.00006; ExAC 0.00007.
gnomAD v4.1: 77 of 1,602,414 alleles (0.0048%); highest among the groups gnomAD compares: South Asian, 0.082%; 2 homozygotes.

Submissions (2):

Ambry Genetics
Classification: Uncertain significance. Last evaluated: 2025-06-12. Review status: criteria provided, single submitter. Criteria: Ambry Variant Classification Scheme 2023. Collection method: clinical testing. Allele origin: germline.

Labcorp Genetics (formerly Invitae), Labcorp
Classification: Uncertain significance. Last evaluated: 2024-11-18. Review status: criteria provided, single submitter. Criteria: Invitae Variant Classification Sherloc (09022015). Collection method: clinical testing. Allele origin: germline.
Comment: This sequence change replaces threonine, which is neutral and polar, with isoleucine, which is neutral and non-polar, at codon 83 of the CLUAP1 protein (p.Thr83Ile). This variant is present in population databases (rs777479822, gnomAD 0.05%). This variant has not been reported in the literature in individuals affected with CLUAP1-related conditions. ClinVar contains an entry for this variant (Variation ID: 1047405). Invitae Evidence Modeling of protein sequence and biophysical properties (such as structural, functional, and spatial information, amino acid conservation, physicochemical variation, residue mobility, and thermodynamic stability) indicates that this missense variant is not expected to disrupt CLUAP1 protein function with a negative predictive value of 80%. In summary, the available evidence is currently insufficient to determine the role of this variant in disease. Therefore, it has been classified as a Variant of Uncertain Significance.